The following is an entry in ClinVar:

ClinVar aggregate classification (germline): Uncertain significance. Review status: criteria provided, multiple submitters, no conflicts (2 of 4 stars). 2 submissions from 2 submitters: Uncertain significance (2). Last evaluated 2024-02-24.

Submissions (2):

Labcorp Genetics (formerly Invitae), Labcorp
Classification: Uncertain significance. Last evaluated: 2024-02-24. Review status: criteria provided, single submitter. Criteria: Invitae Variant Classification Sherloc (09022015). Collection method: clinical testing. Allele origin: germline.
Comment: This sequence change replaces glycine, which is neutral and non-polar, with alanine, which is neutral and non-polar, at codon 149 of the KCNK4 protein (p.Gly149Ala). This variant is not present in population databases (gnomAD no frequency). This variant has not been reported in the literature in individuals affected with KCNK4-related conditions. ClinVar contains an entry for this variant (Variation ID: 2338867). An algorithm developed to predict the effect of missense changes on protein structure and function (PolyPhen-2) suggests that this variant is likely to be disruptive. In summary, the available evidence is currently insufficient to determine the role of this variant in disease. Therefore, it has been classified as a Variant of Uncertain Significance.

Ambry Genetics
Classification: Uncertain significance. Last evaluated: 2022-12-21. Review status: criteria provided, single submitter. Criteria: Ambry Variant Classification Scheme 2023. Collection method: clinical testing. Allele origin: germline.

NM_033310.3(KCNK4):c.446G>C (p.Gly149Ala)

Genes: KCNK4 (potassium two pore domain channel subfamily K member 4; plus strand), KCNK4-CATSPERZ (KCNK4-CATSPERZ readthrough (NMD candidate); plus strand). Cytogenetic location: 11q13.1.
Variant type: single nucleotide variant.
Coding change: c.446G>C on transcript NM_033310.3 (MANE Select); coding-DNA position 446, G replaced by C.
Protein change: p.Gly149Ala; replaces glycine 149 with alanine.
Molecular consequence: missense variant. On other transcripts: non-coding transcript variant (3).
Genome position (GRCh38, 1-based): chr11:64,297,251, G>C. VCF-style: chr11-64297251-G-C. GRCh37 (hg19) VCF-style: chr11-64064723-G-C.
Other names: c.446G>C, p.Gly149Ala (NM_001317090.2, NM_033311.1); short protein forms G149A.
Identifiers: ClinVar variation 2338867 (VCV002338867.4), dbSNP rs2495688591, ClinGen allele CA381164960.